The following is an entry in ClinVar:

ClinVar aggregate classification (germline): Benign (0 of 4 stars; one submission).

Conditions:
KCNQ1-related disorder. Also called: KCNQ1-related condition; KCNQ1-related disorders. Identifiers: MedGen CN239322.

Allele frequency attached by ClinVar (database versions not stated): 1000 Genomes Project 0.08826; 1000 Genomes Project 30x 0.09072; gnomAD exomes 0.09701; TOPMed 0.10231; gnomAD 0.10641.
gnomAD v4.1: 40,077 of 398,666 alleles (10%); highest among the groups gnomAD compares: African/African-American, 13%; 2,136 homozygotes.

Submission:

PreventionGenetics, part of Exact Sciences
Classification: Benign for KCNQ1-related condition. Last evaluated: 2019-02-22. Review status: no assertion criteria provided. Collection method: clinical testing. Allele origin: germline.
Comment: This variant is classified as benign based on ACMG/AMP sequence variant interpretation guidelines (Richards et al. 2015 PMID: 25741868, with internal and published modifications).

NM_000218.3(KCNQ1):c.1514+2565T>C

Genes: KCNQ1 (potassium voltage-gated channel subfamily Q member 1; plus strand), KCNQ1OT1 (KCNQ1 opposite strand/antisense transcript 1; minus strand). Cytogenetic location: 11p15.5.
Variant type: single nucleotide variant.
Coding change: c.1514+2565T>C on transcript NM_000218.3 (MANE Select); 2565 bases into the intron after coding-DNA position 1514, T replaced by C.
Molecular consequence: intron variant. On other transcripts: non-coding transcript variant (1).
Genome position (GRCh38, 1-based): chr11:2,664,646, T>C. VCF-style: chr11-2664646-T-C. GRCh37 (hg19) VCF-style: chr11-2685876-T-C.
Other names: c.1244+2565T>C (NM_001406837.1); c.1418+2565T>C (NM_001406836.1); c.974+2565T>C (NM_001406838.1); c.1133+2565T>C (NM_181798.2).
Identifiers: ClinVar variation 3056739 (VCV003056739.2), dbSNP rs9666538, ClinGen allele CA13453865.
Genomic context (GRCh38, chr11:2,664,646, plus strand): 5'-CATTCCTCCACCTCCTGCACAGCCCGCCCAGTGATGCCCATAATTAAATTCGGCTCCAGC[T>C]GCTCAGGGATGCAGCGAAGCTCCTGTGGGCAGCCTGGCCCCATGGACCCTGAACTGGGAA-3'